The following is an entry in ClinVar:

ClinVar aggregate classification (germline): Conflicting classifications of pathogenicity. Review status: criteria provided, conflicting classifications (1 of 4 stars). 9 submissions from 9 submitters: Uncertain significance (2); Benign (1); Likely benign (6). Last evaluated 2026-05-05.

Conditions:
Hereditary cancer-predisposing syndrome. Also called: Neoplastic Syndromes, Hereditary; Hereditary Cancer Syndrome; Tumor predisposition; Hereditary neoplastic syndrome. Identifiers: Orphanet 140162, MedGen C0027672, MeSH D009386, MONDO:0015356.
Familial cancer of breast. Also called: Hereditary breast cancer; hereditary breast carcinoma; BREAST CANCER, FAMILIAL. Identifiers: Orphanet 227535, MedGen C0346153, MONDO:0016419, OMIM 114480. Disease mechanism: loss of function.
Ataxia-telangiectasia syndrome (AT). Also called: Cerebello-oculocutaneous telangiectasia; Immunodeficiency with ataxia telangiectasia; Ataxia-telangiectasia, complementation group D; AT, COMPLEMENTATION GROUP C; Ataxia-telangiectasia, complementation group E; Ataxia-telangiectasia. Identifiers: Orphanet 100, MedGen C0004135, MONDO:0008840, OMIM 208900.

Allele frequency attached by ClinVar (database versions not stated): gnomAD exomes below 0.00001 and 0.00001; gnomAD 0.00001; TOPMed 0.00001.
gnomAD v4.1: 17 of 1,613,732 alleles (0.0011%); highest among the groups gnomAD compares: African/African-American, 0.0013%; no homozygotes.

Submissions (9):

Institute for Biomarker Research, Medical Diagnostic Laboratories, L.L.C.
Classification: Likely benign for Hereditary cancer-predisposing syndrome. Last evaluated: 2026-05-05. Review status: criteria provided, single submitter. Criteria: ACMG Guidelines, 2015. Collection method: clinical testing. Allele origin: germline.
Comment: The synonymous variant NM_000051.3(ATM):c.753G>A (p.Val251=) is not currently classified as pathogenic in clinical sources (Accession: VCV000230845.42). The p.Val251= variant is observed in 1/74,900 (0.0013%) alleles from individuals of gnomAD v4 African background in gnomAD v4 All. The p.Val251= variant is not predicted to disrupt an existing splice site. The p.Val251= variant results in a substitution of a base that is not predicted conserved by GERP++ and PhyloP. For these reasons, this variant has been classified as Likely Benign.

Labcorp Genetics (formerly Invitae), Labcorp
Classification: Likely benign for Ataxia-telangiectasia syndrome. Last evaluated: 2025-10-06. Review status: criteria provided, single submitter. Criteria: Invitae Variant Classification Sherloc (09022015). Collection method: clinical testing. Allele origin: germline.

Molecular Diagnostics Laboratory, Catalan Institute of Oncology
Classification: Uncertain significance for Hereditary cancer-predisposing syndrome. Last evaluated: 2025-03-26. Review status: criteria provided, single submitter. Criteria: ClinGen ACMG Specifications ATM V1.1.0. Collection method: clinical testing. Allele origin: germline.
Comment: PM2_Supporting, BP7 c.753G>A located in exon 7 of the ATM gene is predicted to result in no amino acid change, p.(Val251=)(BP7). This variant is found in 2/267910 in the gnomAD v2.1.1 database (non-cancer data set)(PM2_Supporting). The SpliceAI algorithm is indeterminate regarding the impact on splicing (deltascore: 0.26). To our knowledge, functional studies have not been reported for this variant. In addition, the variant was also identified in the ClinVar database (1x benign, 5x likely benign, 1x uncertain significance) but is not present in the LOVD database. Based on currently available information, the variant c.753G>A is classified as an uncertain sigbnificance variant according to ClinGen-ATM Guidelines version 1.1.

Myriad Genetics, Inc.
Classification: Benign for Familial cancer of breast. Last evaluated: 2024-04-23. Review status: criteria provided, single submitter. Criteria: Myriad Autosomal Dominant, Autosomal Recessive and X-Linked Classification Criteria (2023). Collection method: clinical testing. Allele origin: unknown.
Comment: This variant is considered benign. This variant is a silent/synonymous amino acid change and it is not expected to impact splicing.

CeGaT Center for Human Genetics Tuebingen
Classification: Likely benign. Last evaluated: 2023-10-01. Review status: criteria provided, single submitter. Criteria: CeGaT Center For Human Genetics Tuebingen Variant Classification Criteria Version 2. Collection method: clinical testing. Allele origin: germline. Affected: yes. Observed: 1 variant allele.
Comment: ATM: PM2:Supporting, BP4, BP7

Color Diagnostics, LLC DBA Color Health
Classification: Likely benign for Hereditary cancer-predisposing syndrome. Last evaluated: 2023-04-10. Review status: criteria provided, single submitter. Criteria: ACMG Guidelines, 2015. Collection method: clinical testing. Allele origin: germline.

GeneDx
Classification: Uncertain significance. Last evaluated: 2023-02-06. Review status: criteria provided, single submitter. Criteria: GeneDx Variant Classification Process June 2021. Collection method: clinical testing. Allele origin: germline. Affected: yes.
Comment: Not observed at significant frequency in large population cohorts (gnomAD); In silico analysis suggests this variant may impact gene splicing. In the absence of RNA/functional studies, the actual effect of this sequence change is unknown.; Has not been previously published as pathogenic or benign to our knowledge

Sema4
Classification: Likely benign for Hereditary cancer-predisposing syndrome. Last evaluated: 2020-12-29. Review status: criteria provided, single submitter. Criteria: Sema4 Curation Guidelines. Collection method: curation. Allele origin: germline.

Ambry Genetics
Classification: Likely benign for Hereditary cancer-predisposing syndrome. Last evaluated: 2015-03-05. Review status: criteria provided, single submitter. Criteria: Ambry Variant Classification Scheme 2023. Collection method: clinical testing. Allele origin: germline.

NM_000051.4(ATM):c.753G>A (p.Val251=)

Gene: ATM (ATM serine/threonine kinase; plus strand). Cytogenetic location: 11q22.3.
Variant type: single nucleotide variant.
Coding change: c.753G>A on transcript NM_000051.4 (MANE Select); coding-DNA position 753, G replaced by A.
Protein change: p.Val251=; no amino-acid change (valine 251 retained).
Molecular consequence: synonymous variant.
Genome position (GRCh38, 1-based): chr11:108,244,878, G>A. VCF-style: chr11-108244878-G-A. GRCh37 (hg19) VCF-style: chr11-108115605-G-A.
Other names: c.753G>A, p.Val251= (NM_001351834.2).
Identifiers: ClinVar variation 230845 (VCV000230845.46), dbSNP rs876658806, ClinGen allele CA10578975.